The following is an entry in ClinVar:

ClinVar aggregate classification (germline): Uncertain significance (1 of 4 stars; one submission).

Allele frequency attached by ClinVar (database versions not stated): gnomAD exomes below 0.00001.
gnomAD v4.1: 2 of 1,611,560 alleles (0.00012%); highest among the groups gnomAD compares: South Asian, 0.0022%; no homozygotes.

Submission:

Labcorp Genetics (formerly Invitae), Labcorp
Classification: Uncertain significance. Last evaluated: 2023-10-28. Review status: criteria provided, single submitter. Criteria: Invitae Variant Classification Sherloc (09022015). Collection method: clinical testing. Allele origin: germline.
Comment: This sequence change replaces leucine, which is neutral and non-polar, with phenylalanine, which is neutral and non-polar, at codon 484 of the WFS1 protein (p.Leu484Phe). This variant is present in population databases (no rsID available, gnomAD 0.003%). This variant has not been reported in the literature in individuals affected with WFS1-related conditions. ClinVar contains an entry for this variant (Variation ID: 1951552). Advanced modeling of protein sequence and biophysical properties (such as structural, functional, and spatial information, amino acid conservation, physicochemical variation, residue mobility, and thermodynamic stability) performed at Invitae indicates that this missense variant is not expected to disrupt WFS1 protein function with a negative predictive value of 95%. In summary, the available evidence is currently insufficient to determine the role of this variant in disease. Therefore, it has been classified as a Variant of Uncertain Significance.

NM_006005.3(WFS1):c.1450C>T (p.Leu484Phe)

Gene: WFS1 (wolframin ER transmembrane glycoprotein; plus strand). Cytogenetic location: 4p16.1.
Variant type: single nucleotide variant.
Coding change: c.1450C>T on transcript NM_006005.3 (MANE Select); coding-DNA position 1450, C replaced by T.
Protein change: p.Leu484Phe; replaces leucine 484 with phenylalanine.
Molecular consequence: missense variant.
Genome position (GRCh38, 1-based): chr4:6,301,245, C>T. VCF-style: chr4-6301245-C-T. GRCh37 (hg19) VCF-style: chr4-6302972-C-T.
Other names: c.1450C>T, p.Leu484Phe (NM_001145853.1); short protein forms L484F.
Identifiers: ClinVar variation 1951552 (VCV001951552.5), dbSNP rs1239328153, ClinGen allele CA356175009.